The following is an entry in ClinVar:

ClinVar aggregate classification (germline): Benign/Likely benign. Review status: criteria provided, multiple submitters, no conflicts (2 of 4 stars). 3 submissions from 3 submitters: Benign (1); Likely benign (2). Last evaluated 2024-05-17.

Conditions:
Familial cancer of breast. Also called: Hereditary breast cancer; hereditary breast carcinoma; BREAST CANCER, FAMILIAL. Identifiers: Orphanet 227535, MedGen C0346153, MONDO:0016419, OMIM 114480. Disease mechanism: loss of function.
Ataxia-telangiectasia syndrome (AT). Also called: LOUIS-BAR SYNDROME; Cerebello-oculocutaneous telangiectasia; Immunodeficiency with ataxia telangiectasia; Ataxia telangiectasia (A-T); ATAXIA-TELANGIECTASIA, COMPLEMENTATION GROUP A; ATAXIA-TELANGIECTASIA, FRESNO VARIANT. Identifiers: Orphanet 100, MedGen C0004135, MONDO:0008840, OMIM 208900.
Hereditary cancer-predisposing syndrome. Also called: Hereditary Cancer Syndrome; Hereditary neoplastic syndrome; Neoplastic Syndromes, Hereditary; Tumor predisposition. Identifiers: Orphanet 140162, MedGen C0027672, MeSH D009386, MONDO:0015356.

Submissions (3):

Myriad Genetics, Inc.
Classification: Benign for Familial cancer of breast. Last evaluated: 2024-05-17. Review status: criteria provided, single submitter. Criteria: Myriad Autosomal Dominant, Autosomal Recessive and X-Linked Classification Criteria (2023). Collection method: clinical testing. Allele origin: unknown.
Comment: This variant is considered benign. This variant is a silent/synonymous amino acid change and it is not expected to impact splicing.

Ambry Genetics
Classification: Likely benign for Hereditary cancer-predisposing syndrome. Last evaluated: 2024-02-06. Review status: criteria provided, single submitter. Criteria: Ambry Variant Classification Scheme 2023. Collection method: clinical testing. Allele origin: germline.

Labcorp Genetics (formerly Invitae), Labcorp
Classification: Likely benign for Ataxia-telangiectasia syndrome. Last evaluated: 2023-04-08. Review status: criteria provided, single submitter. Criteria: Invitae Variant Classification Sherloc (09022015). Collection method: clinical testing. Allele origin: germline.

NM_000051.4(ATM):c.4446T>C (p.Cys1482=)

Gene: ATM (ATM serine/threonine kinase; plus strand). Cytogenetic location: 11q22.3.
Variant type: single nucleotide variant.
Coding change: c.4446T>C on transcript NM_000051.4 (MANE Select); coding-DNA position 4446, T replaced by C.
Protein change: p.Cys1482=; no amino-acid change (cysteine 1482 retained).
Molecular consequence: synonymous variant.
Genome position (GRCh38, 1-based): chr11:108,292,628, T>C. VCF-style: chr11-108292628-T-C. GRCh37 (hg19) VCF-style: chr11-108163355-T-C.
Other names: c.4446T>C, p.Cys1482= (NM_001351834.2).
Identifiers: ClinVar variation 2853546 (VCV002853546.5), dbSNP rs2135797343, ClinGen allele CA476674116.